The following is an entry in ClinVar:

NM_018008.4(FEZF2):c.930C>A (p.Cys310Ter)

Gene: FEZF2 (FEZ family zinc finger 2; minus strand). Cytogenetic location: 3p14.2.
Variant type: single nucleotide variant.
Coding change: c.930C>A on transcript NM_018008.4 (MANE Select); coding-DNA position 930, C replaced by A.
Protein change: p.Cys310Ter; replaces cysteine 310 with a stop codon.
Molecular consequence: nonsense.
Genome position (GRCh38, 1-based): chr3:62,371,590, G>T on the plus strand (C>A on the coding strand, the complement: FEZF2 is on the minus strand). VCF-style: chr3-62371590-G-T. GRCh37 (hg19) VCF-style: chr3-62357265-G-T.
Other names: short protein forms C310*.
Identifiers: ClinVar variation 4715858 (VCV004715858.1).

ClinVar aggregate classification (germline): Pathogenic (1 of 4 stars; one submission).

Submission:

Labcorp Genetics (formerly Invitae), Labcorp
Classification: Pathogenic. Last evaluated: 2025-03-24. Review status: criteria provided, single submitter. Criteria: Invitae Variant Classification Sherloc (09022015). Collection method: clinical testing. Allele origin: germline.
Comment: This sequence change creates a premature translational stop signal (p.Cys310*) in the FEZF2 gene. It is expected to result in an absent or disrupted protein product. Loss-of-function variants in FEZF2 are known to be pathogenic (PMID: 38425142). This variant is not present in population databases (gnomAD no frequency). This variant has not been reported in the literature in individuals affected with FEZF2-related conditions. For these reasons, this variant has been classified as Pathogenic.

Literature cited by the submitters: PubMed 38425142.